The following is an entry in ClinVar:

ClinVar aggregate classification (germline): Uncertain significance. Review status: criteria provided, multiple submitters, no conflicts (2 of 4 stars). 2 submissions from 2 submitters: Uncertain significance (2). Last evaluated 2025-02-15.

Conditions:
Inborn genetic diseases. Identifiers: MedGen C0950123, MeSH D030342.

Submissions (2):

Ambry Genetics
Classification: Uncertain significance for Inborn genetic diseases. Last evaluated: 2025-02-15. Review status: criteria provided, single submitter. Criteria: Ambry Variant Classification Scheme 2023. Collection method: clinical testing. Allele origin: germline.
Comment: The p.G1267S variant (also known as c.3799G>A), located in coding exon 38 of the FANCA gene, results from a G to A substitution at nucleotide position 3799. The glycine at codon 1267 is replaced by serine, an amino acid with similar properties. This amino acid position is conserved. In addition, this alteration is predicted to be tolerated by in silico analysis. Based on the available evidence, the clinical significance of this variant remains unclear.

GeneDx
Classification: Uncertain significance. Last evaluated: 2024-12-15. Review status: criteria provided, single submitter. Criteria: GeneDx Variant Classification Process June 2021. Collection method: clinical testing. Allele origin: germline. Affected: yes.
Comment: Not observed at significant frequency in large population cohorts (gnomAD); In silico analysis supports that this missense variant has a deleterious effect on protein structure/function; Has not been previously published as pathogenic or benign to our knowledge

NM_000135.4(FANCA):c.3799G>A (p.Gly1267Ser)

Genes: FANCA (FA complementation group A; minus strand), ZNF276 (zinc finger protein 276; plus strand). Cytogenetic location: 16q24.3.
Variant type: single nucleotide variant.
Coding change: c.3799G>A on transcript NM_000135.4 (MANE Select); coding-DNA position 3799, G replaced by A.
Protein change: p.Gly1267Ser; replaces glycine 1267 with serine.
Molecular consequence: missense variant. On other transcripts: 3 prime UTR variant (2), non-coding transcript variant (4).
Genome position (GRCh38, 1-based): chr16:89,740,833, C>T on the plus strand (G>A on the coding strand, the complement: FANCA is on the minus strand). VCF-style: chr16-89740833-C-T. GRCh37 (hg19) VCF-style: chr16-89807241-C-T.
Other names: c.3799G>A, p.Gly1267Ser (NM_001286167.3); c.*2587C>T (NM_001113525.2, NM_152287.4); short protein forms G1267S.
Identifiers: ClinVar variation 3848241 (VCV003848241.2).